The following is an entry in ClinVar:

NM_015021.3(ZNF292):c.4532A>C (p.His1511Pro)

Gene: ZNF292 (zinc finger protein 292; plus strand). Cytogenetic location: 6q14.3.
Variant type: single nucleotide variant.
Coding change: c.4532A>C on transcript NM_015021.3 (MANE Select); coding-DNA position 4532, A replaced by C.
Protein change: p.His1511Pro; replaces histidine 1511 with proline.
Molecular consequence: missense variant.
Genome position (GRCh38, 1-based): chr6:87,258,161, A>C. VCF-style: chr6-87258161-A-C. GRCh37 (hg19) VCF-style: chr6-87967879-A-C.
Other names: c.4112A>C, p.His1371Pro (NM_001351444.2); short protein forms H1371P, H1511P.
Identifiers: ClinVar variation 2623331 (VCV002623331.3), dbSNP rs1333002273, ClinGen allele CA364927592.

ClinVar aggregate classification (germline): Uncertain significance. Review status: criteria provided, multiple submitters, no conflicts (2 of 4 stars). 2 submissions from 2 submitters: Uncertain significance (2). Last evaluated 2026-04-24.

Conditions:
Inborn genetic diseases. Identifiers: MedGen C0950123, MeSH D030342.

gnomAD v4.1: 1 of 1,611,900 alleles (0.000062%); highest among the groups gnomAD compares: Non-Finnish European, 0.000085%; no homozygotes.

Submissions (2):

GeneDx
Classification: Uncertain significance. Last evaluated: 2026-04-24. Review status: criteria provided, single submitter. Criteria: GeneDx Variant Classification Process June 2021. Collection method: clinical testing. Allele origin: germline.
Comment: Not observed at significant frequency in large population cohorts (gnomAD); In silico analysis suggests that this missense variant does not alter protein structure/function; Has not been previously published as pathogenic or benign to our knowledge

Ambry Genetics
Classification: Uncertain significance for Inborn genetic diseases. Last evaluated: 2023-09-13. Review status: criteria provided, single submitter. Criteria: Ambry Variant Classification Scheme 2023. Collection method: clinical testing. Allele origin: germline.